The following is an entry in ClinVar:

ClinVar aggregate classification (germline): Uncertain significance (1 of 4 stars; one submission).

Conditions:
Hereditary cancer-predisposing syndrome. Also called: Neoplastic Syndromes, Hereditary; Tumor predisposition; Hereditary Cancer Syndrome; Hereditary neoplastic syndrome. Identifiers: Orphanet 140162, MedGen C0027672, MeSH D009386, MONDO:0015356.

Submission:

Ambry Genetics
Classification: Uncertain significance for Hereditary cancer-predisposing syndrome. Last evaluated: 2025-08-02. Review status: criteria provided, single submitter. Criteria: Ambry Variant Classification Scheme 2023. Collection method: clinical testing. Allele origin: germline.
Comment: The p.Q756H variant (also known as c.2268G>C), located in coding exon 14 of the SMARCA4 gene, results from a G to C substitution at nucleotide position 2268. The glutamine at codon 756 is replaced by histidine, an amino acid with highly similar properties. This amino acid position is conserved. In addition, the in silico prediction for this alteration is inconclusive. Based on the available evidence, the clinical significance of this variant remains unclear.

NM_003072.5(SMARCA4):c.2268G>C (p.Gln756His)

Gene: SMARCA4 (SWI/SNF related BAF chromatin remodeling complex subunit ATPase 4; plus strand). Cytogenetic location: 19p13.2.
Variant type: single nucleotide variant.
Coding change: c.2268G>C on transcript NM_003072.5 (MANE Select); coding-DNA position 2268, G replaced by C.
Protein change: p.Gln756His; replaces glutamine 756 with histidine.
Molecular consequence: missense variant. On other transcripts: non-coding transcript variant (1).
Genome position (GRCh38, 1-based): chr19:11,010,525, G>C. VCF-style: chr19-11010525-G-C. GRCh37 (hg19) VCF-style: chr19-11121201-G-C.
Other names: c.2268G>C, p.Gln756His (NM_001128846.2, NM_001128847.4, NM_001128848.2 and 6 more transcripts); short protein forms Q756H.
Identifiers: ClinVar variation 4170167 (VCV004170167.1).